The following is an entry in ClinVar:

NM_020884.7(MYH7B):c.4952G>T (p.Arg1651Leu)

Gene: MYH7B (myosin heavy chain 7B; plus strand). Cytogenetic location: 20q11.22.
Variant type: single nucleotide variant.
Coding change: c.4952G>T on transcript NM_020884.7 (MANE Select); coding-DNA position 4952, G replaced by T.
Protein change: p.Arg1651Leu; replaces arginine 1651 with leucine.
Molecular consequence: missense variant.
Genome position (GRCh38, 1-based): chr20:35,000,463, G>T. VCF-style: chr20-35000463-G-T. GRCh37 (hg19) VCF-style: chr20-33588266-G-T.
Other names: short protein forms R1651L.
Identifiers: ClinVar variation 3158588 (VCV003158588.3), dbSNP rs772339735, ClinGen allele CA9828382.

ClinVar aggregate classification (germline): Uncertain significance. Review status: criteria provided, multiple submitters, no conflicts (2 of 4 stars). 2 submissions from 2 submitters: Uncertain significance (2). Last evaluated 2024-08-19.

Allele frequency attached by ClinVar (database versions not stated): ExAC 0.00006.
gnomAD v4.1: 131 of 1,601,780 alleles (0.0082%); highest among the groups gnomAD compares: Non-Finnish European, 0.011%; no homozygotes.

Submissions (2):

Labcorp Genetics (formerly Invitae), Labcorp
Classification: Uncertain significance. Last evaluated: 2024-08-19. Review status: criteria provided, single submitter. Criteria: Invitae Variant Classification Sherloc (09022015). Collection method: clinical testing. Allele origin: germline.
Comment: This sequence change replaces arginine, which is basic and polar, with leucine, which is neutral and non-polar, at codon 1693 of the MYH7B protein (p.Arg1693Leu). This variant is present in population databases (rs772339735, gnomAD 0.01%). This variant has not been reported in the literature in individuals affected with MYH7B-related conditions. Invitae Evidence Modeling of protein sequence and biophysical properties (such as structural, functional, and spatial information, amino acid conservation, physicochemical variation, residue mobility, and thermodynamic stability) indicates that this missense variant is not expected to disrupt MYH7B protein function with a negative predictive value of 80%. In summary, the available evidence is currently insufficient to determine the role of this variant in disease. Therefore, it has been classified as a Variant of Uncertain Significance.

Ambry Genetics
Classification: Uncertain significance. Last evaluated: 2024-01-08. Review status: criteria provided, single submitter. Criteria: Ambry Variant Classification Scheme 2023. Collection method: clinical testing. Allele origin: germline.